The following is an entry in ClinVar:

ClinVar aggregate classification (germline): Uncertain significance. Review status: criteria provided, multiple submitters, no conflicts (2 of 4 stars). 2 submissions from 2 submitters: Uncertain significance (2). Last evaluated 2023-08-11.

Conditions:
HECW2-related disorder. Also called: HECW2-related condition.

Allele frequency attached by ClinVar (database versions not stated): gnomAD exomes below 0.00001; TOPMed below 0.00001; ExAC 0.00001; gnomAD 0.00001.
gnomAD v4.1: 3 of 1,614,068 alleles (0.00019%); highest among the groups gnomAD compares: Non-Finnish European, 0.000085%; no homozygotes.

Submissions (2):

PreventionGenetics, part of Exact Sciences
Classification: Uncertain significance for HECW2-related condition. Last evaluated: 2023-08-11. Review status: criteria provided, single submitter. Criteria: ACMG Guidelines, 2015. Collection method: clinical testing. Allele origin: germline.
Comment: The HECW2 c.3550C>T variant is predicted to result in the amino acid substitution p.Arg1184Trp. To our knowledge, this variant has not been reported in the literature. This variant is reported in 0.00088% of alleles in individuals of European (Non-Finnish) descent in gnomAD. At this time, the clinical significance of this variant is uncertain due to the absence of conclusive functional and genetic evidence.

Blueprint Genetics
Classification: Uncertain significance. Last evaluated: 2022-04-13. Review status: criteria provided, single submitter. Criteria: ACMG Guidelines, 2015. Collection method: clinical testing. Allele origin: germline.

NM_001348768.2(HECW2):c.3550C>T (p.Arg1184Trp)

Gene: HECW2 (HECT, C2 and WW domain containing E3 ubiquitin protein ligase 2; minus strand). Cytogenetic location: 2q32.3.
Variant type: single nucleotide variant.
Coding change: c.3550C>T on transcript NM_001348768.2 (MANE Select); coding-DNA position 3550, C replaced by T.
Protein change: p.Arg1184Trp; replaces arginine 1184 with tryptophan.
Molecular consequence: missense variant.
Genome position (GRCh38, 1-based): chr2:196,242,184, G>A on the plus strand (C>T on the coding strand, the complement: HECW2 is on the minus strand). VCF-style: chr2-196242184-G-A. GRCh37 (hg19) VCF-style: chr2-197106908-G-A.
Other names: c.2482C>T, p.Arg828Trp (NM_001304840.3); c.3550C>T, p.Arg1184Trp (NM_020760.4); short protein forms R1184W, R828W.
Identifiers: ClinVar variation 2630686 (VCV002630686.2), dbSNP rs772225658, ClinGen allele CA2037707.
Genomic context (GRCh38, chr2:196,242,184, plus strand): 5'-ACTTCCTGTAAAAGTTCCTCAGTTTGGCTTCGAAATCCCGCTTGTAAGGGGCTGGAGCCC[G>A]GGCATTGGCACGCTGGGTACCTGCAGCAAACCACAAAGAGAGGACAATCTGGATTTGTGC-3'
Protein context (NP_001335697.1, residues 1174-1194): NSPGTQRANA[Arg1184Trp]APAPYKRDFE